The following is an entry in ClinVar:

NM_000334.4(SCN4A):c.1902C>T (p.Pro634=)

Gene: SCN4A (sodium voltage-gated channel alpha subunit 4; minus strand). Cytogenetic location: 17q23.3.
Variant type: single nucleotide variant.
Coding change: c.1902C>T on transcript NM_000334.4 (MANE Select); coding-DNA position 1902, C replaced by T.
Protein change: p.Pro634=; no amino-acid change (proline 634 retained).
Molecular consequence: synonymous variant.
Genome position (GRCh38, 1-based): chr17:63,959,382, G>A on the plus strand (C>T on the coding strand, the complement: SCN4A is on the minus strand). VCF-style: chr17-63959382-G-A. GRCh37 (hg19) VCF-style: chr17-62036742-G-A.
Identifiers: ClinVar variation 586505 (VCV000586505.56), dbSNP rs368811155, ClinGen allele CA8709710.

ClinVar aggregate classification (germline): Conflicting classifications of pathogenicity. Review status: criteria provided, conflicting classifications (1 of 4 stars). 5 submissions from 5 submitters: Uncertain significance (1); Benign (1); Likely benign (3). Last evaluated 2026-06-11.

Conditions:
Hyperkalemic periodic paralysis. Also called: Familial hyperkalemic periodic paralysis; Gamstorp disease. Identifiers: Orphanet 682, MedGen C0238357, MONDO:0008224, OMIM 170500, HP:0007215.
SCN4A-related disorder. Also called: SCN4A-related disorders.

Allele frequency attached by ClinVar (database versions not stated): gnomAD 0.00006; ExAC 0.00009; gnomAD exomes 0.00011 and 0.00025; TOPMed 0.00023; ESP Exome Variant Server 0.00032.
gnomAD v4.1: 406 of 1,613,846 alleles (0.025%); highest among the groups gnomAD compares: Non-Finnish European, 0.032%; 2 homozygotes.

Submissions (5):

PreventionGenetics, part of Exact Sciences
Classification: Likely benign for SCN4A-related condition. Last evaluated: 2026-06-11. Review status: criteria provided, single submitter. Criteria: ACMG Guidelines, 2015. Collection method: clinical testing. Allele origin: germline.
Comment: This variant is classified as likely benign based on ACMG/AMP sequence variant interpretation guidelines (Richards et al. 2015 PMID: 25741868, with internal and published modifications).

Labcorp Genetics (formerly Invitae), Labcorp
Classification: Likely benign for Hyperkalemic periodic paralysis. Last evaluated: 2026-01-11. Review status: criteria provided, single submitter. Criteria: Invitae Variant Classification Sherloc (09022015). Collection method: clinical testing. Allele origin: germline.

Blueprint Genetics
Classification: Likely benign. Last evaluated: 2023-05-05. Review status: criteria provided, single submitter. Criteria: ACMG Guidelines, 2015. Collection method: clinical testing. Allele origin: germline.

CeGaT Center for Human Genetics Tuebingen
Classification: Uncertain significance. Last evaluated: 2018-04-01. Review status: criteria provided, single submitter. Criteria: CeGaT Center For Human Genetics Tuebingen Variant Classification Criteria Version 2. Collection method: clinical testing. Allele origin: germline. Affected: yes. Observed: 1 variant allele.

Athena Diagnostics
Classification: Benign. Last evaluated: 2018-03-08. Review status: criteria provided, single submitter. Criteria: Athena Diagnostics Criteria. Collection method: clinical testing. Allele origin: germline.